The following is an entry in ClinVar:

ClinVar aggregate classification (germline): Uncertain significance (1 of 4 stars; one submission).

Conditions:
Oculofaciocardiodental syndrome (MCOPS2). Identifiers: Orphanet 2712, MedGen C1846265, MONDO:0010261, OMIM 300166.

Allele frequency attached by ClinVar (database versions not stated): gnomAD exomes 0.00001; ExAC 0.00002; TOPMed 0.00002.
gnomAD v4.1: 10 of 1,210,429 alleles (0.00083%); highest among the groups gnomAD compares: Admixed American, 0.011%; no homozygotes.

Submission:

Labcorp Genetics (formerly Invitae), Labcorp
Classification: Uncertain significance for Oculofaciocardiodental syndrome. Last evaluated: 2023-08-04. Review status: criteria provided, single submitter. Criteria: Invitae Variant Classification Sherloc (09022015). Collection method: clinical testing. Allele origin: germline.
Comment: This variant is present in population databases (rs754470140, gnomAD 0.02%). In summary, the available evidence is currently insufficient to determine the role of this variant in disease. Therefore, it has been classified as a Variant of Uncertain Significance. Advanced modeling of protein sequence and biophysical properties (such as structural, functional, and spatial information, amino acid conservation, physicochemical variation, residue mobility, and thermodynamic stability) has been performed at Invitae for this missense variant, however the output from this modeling did not meet the statistical confidence thresholds required to predict the impact of this variant on BCOR protein function. ClinVar contains an entry for this variant (Variation ID: 2174174). This variant has not been reported in the literature in individuals affected with BCOR-related conditions. This sequence change replaces serine, which is neutral and polar, with leucine, which is neutral and non-polar, at codon 1633 of the BCOR protein (p.Ser1633Leu).

NM_001123385.2(BCOR):c.5000C>T (p.Ser1667Leu)

Gene: BCOR (BCL6 corepressor; minus strand). Cytogenetic location: Xp11.4.
Variant type: single nucleotide variant.
Coding change: c.5000C>T on transcript NM_001123385.2 (MANE Select); coding-DNA position 5000, C replaced by T.
Protein change: p.Ser1667Leu; replaces serine 1667 with leucine.
Molecular consequence: missense variant.
Genome position (GRCh38, 1-based): chrX:40,052,377, G>A on the plus strand (C>T on the coding strand, the complement: BCOR is on the minus strand). VCF-style: chrX-40052377-G-A. GRCh37 (hg19) VCF-style: chrX-39911630-G-A.
Other names: c.4898C>T, p.Ser1633Leu (NM_001123383.2, NM_017745.6); c.4844C>T, p.Ser1615Leu (NM_001123384.2); short protein forms S1615L, S1633L, S1667L.
Identifiers: ClinVar variation 2174174 (VCV002174174.4), dbSNP rs754470140, ClinGen allele CA10386324.